The following is an entry in ClinVar:

NM_024422.6(DSC2):c.2138C>T (p.Thr713Met)

Gene: DSC2 (desmocollin 2; minus strand). Cytogenetic location: 18q12.1.
Variant type: single nucleotide variant.
Coding change: c.2138C>T on transcript NM_024422.6 (MANE Select); coding-DNA position 2138, C replaced by T.
Protein change: p.Thr713Met; replaces threonine 713 with methionine.
Molecular consequence: missense variant.
Genome position (GRCh38, 1-based): chr18:31,070,838, G>A on the plus strand (C>T on the coding strand, the complement: DSC2 is on the minus strand). VCF-style: chr18-31070838-G-A. GRCh37 (hg19) VCF-style: chr18-28650804-G-A.
Other names: c.2138C>T, p.Thr713Met (NM_004949.5); short protein forms T713M.
Identifiers: ClinVar variation 429956 (VCV000429956.34), dbSNP rs180863872, ClinGen allele CA034970.
Genomic context (GRCh38, chr18:31,070,838, plus strand): 5'-GCTAAATCATCAGGAATTACTTTTGGTTGTTTAGACGTCCCAGAAGCCCCACAGACCAGC[G>A]TAAACAGGATGCCTGGAGGAAGAAAGAAATATACTTGAGTTTATCATAAAATAATATGAA-3'
Protein context (NP_077740.1, residues 703-723): GIALLFCILF[Thr713Met]LVCGASGTSK

ClinVar aggregate classification (germline): Conflicting classifications of pathogenicity. Review status: criteria provided, conflicting classifications (1 of 4 stars). 6 submissions from 6 submitters: Uncertain significance (5); Likely benign (1). Last evaluated 2026-01-18.

Conditions:
Familial isolated arrhythmogenic right ventricular dysplasia. Identifiers: Orphanet 217656, MedGen C4274968, MONDO:0016342.
Cardiovascular phenotype. Identifiers: MedGen CN230736.
Cardiomyopathy (CMYO). Also called: Cardiomyopathies. Identifiers: Orphanet 167848, MedGen C0878544, MONDO:0004994, HP:0001638. Inheritance: Various modes of inheritance.
Arrhythmogenic right ventricular dysplasia 11. Also called: Arrhythmogenic Right Ventricular Dysplasia/Cardiomyopathy11; ARRHYTHMOGENIC RIGHT VENTRICULAR DYSPLASIA, FAMILIAL, 11; Arrhythmogenic right ventricular dysplasia 11 with mild palmoplantar keratoderma and woolly hair. Identifiers: MedGen C1864850, MONDO:0012506, OMIM 610476.

Allele frequency attached by ClinVar (database versions not stated): 1000 Genomes Project 30x 0.00047; gnomAD 0.00002 and 0.00004; TOPMed 0.00004; ExAC 0.00007; gnomAD exomes 0.00007; 1000 Genomes Project 0.00040.
gnomAD v4.1: 89 of 1,613,708 alleles (0.0055%); highest among the groups gnomAD compares: Middle Eastern, 0.099%; no homozygotes.

Submissions (6):

Labcorp Genetics (formerly Invitae), Labcorp
Classification: Uncertain significance for Arrhythmogenic right ventricular dysplasia 11. Last evaluated: 2026-01-18. Review status: criteria provided, single submitter. Criteria: Invitae Variant Classification Sherloc (09022015). Collection method: clinical testing. Allele origin: germline.
Comment: This sequence change replaces threonine, which is neutral and polar, with methionine, which is neutral and non-polar, at codon 713 of the DSC2 protein (p.Thr713Met). This variant is present in population databases (rs180863872, gnomAD 0.02%). This variant has not been reported in the literature in individuals affected with DSC2-related conditions. ClinVar contains an entry for this variant (Variation ID: 429956). Invitae Evidence Modeling of protein sequence and biophysical properties (such as structural, functional, and spatial information, amino acid conservation, physicochemical variation, residue mobility, and thermodynamic stability) indicates that this missense variant is expected to disrupt DSC2 protein function with a positive predictive value of 80%. In summary, the available evidence is currently insufficient to determine the role of this variant in disease. Therefore, it has been classified as a Variant of Uncertain Significance.

GeneDx
Classification: Uncertain significance. Last evaluated: 2025-06-23. Review status: criteria provided, single submitter. Criteria: GeneDx Variant Classification Process June 2021. Collection method: clinical testing. Allele origin: germline. Affected: yes.
Comment: In silico analysis supports that this missense variant has a deleterious effect on protein structure/function; This variant is associated with the following publications: (PMID: 37477868)

Blueprint Genetics
Classification: Uncertain significance. Last evaluated: 2024-11-26. Review status: criteria provided, single submitter. Criteria: ACMG Guidelines, 2015. Collection method: clinical testing. Allele origin: germline.

All of Us Research Program, National Institutes of Health
Classification: Uncertain significance for Familial isolated arrhythmogenic right ventricular dysplasia. Last evaluated: 2024-09-11. Review status: criteria provided, single submitter. Criteria: ACMG Guidelines, 2015. Collection method: clinical testing. Allele origin: germline. Inheritance: Autosomal dominant inheritance. Observed: 15 variant alleles, 15 heterozygotes.
Comment: This missense variant replaces threonine with methionine at codon 713 of the DSC2 protein. Computational prediction suggests that this variant may not impact protein structure and function (internally defined REVEL score threshold <= 0.5, PMID: 27666373). To our knowledge, functional studies have not been reported for this variant. This variant has not been reported in individuals affected with cardiovascular disorders in the literature. This variant has been identified in 17/251242 chromosomes in the general population by the Genome Aggregation Database (gnomAD). The available evidence is insufficient to determine the role of this variant in disease conclusively. Therefore, this variant is classified as a Variant of Uncertain Significance.

This study involves interpretation of variants in research participants for the purpose of population health screening. Participant phenotype was not available at the time of variant classification. Additional details can be found in publication PMID: 35346344, PMCID: PMC8962531

Color Diagnostics, LLC DBA Color Health
Classification: Uncertain significance for Cardiomyopathy. Last evaluated: 2023-10-25. Review status: criteria provided, single submitter. Criteria: ACMG Guidelines, 2015. Collection method: clinical testing. Allele origin: germline.
Comment: This missense variant replaces threonine with methionine at codon 713 of the DSC2 protein. Computational prediction suggests that this variant may not impact protein structure and function (internally defined REVEL score threshold <= 0.5, PMID: 27666373). To our knowledge, functional studies have not been reported for this variant. This variant has been reported in an individual affected with cardiomyopathy (PMID: 37477868). This variant has been identified in 17/251242 chromosomes in the general population by the Genome Aggregation Database (gnomAD). The available evidence is insufficient to determine the role of this variant in disease conclusively. Therefore, this variant is classified as a Variant of Uncertain Significance.

Ambry Genetics
Classification: Likely benign for Cardiovascular phenotype. Last evaluated: 2023-09-07. Review status: criteria provided, single submitter. Criteria: Ambry Variant Classification Scheme 2023. Collection method: clinical testing. Allele origin: germline.

Literature cited by the submitters: PubMed 37477868 (cited by Color Diagnostics, LLC DBA Color Health).